The following is an entry in ClinVar:

NM_003059.3(SLC22A4):c.575G>T (p.Ser192Ile)

Genes: MIR3936HG (MIR3936 host gene; minus strand), SLC22A4 (solute carrier family 22 member 4; plus strand). Cytogenetic location: 5q31.1.
Variant type: single nucleotide variant.
Coding change: c.575G>T on transcript NM_003059.3 (MANE Select); coding-DNA position 575, G replaced by T.
Protein change: p.Ser192Ile; replaces serine 192 with isoleucine.
Molecular consequence: missense variant.
Genome position (GRCh38, 1-based): chr5:132,313,691, G>T. VCF-style: chr5-132313691-G-T. GRCh37 (hg19) VCF-style: chr5-131649384-G-T.
Other names: short protein forms S192I.
Identifiers: ClinVar variation 3625177 (VCV003625177.2).

ClinVar aggregate classification (germline): Uncertain significance (1 of 4 stars; one submission).

Submission:

Labcorp Genetics (formerly Invitae), Labcorp
Classification: Uncertain significance. Last evaluated: 2025-04-11. Review status: criteria provided, single submitter. Criteria: Invitae Variant Classification Sherloc (09022015). Collection method: clinical testing. Allele origin: germline.
Comment: This sequence change replaces serine, which is neutral and polar, with isoleucine, which is neutral and non-polar, at codon 192 of the SLC22A4 protein (p.Ser192Ile). This variant is present in population databases (no rsID available, gnomAD 0.003%). This variant has not been reported in the literature in individuals affected with SLC22A4-related conditions. ClinVar contains an entry for this variant (Variation ID: 3625177). Invitae Evidence Modeling of protein sequence and biophysical properties (such as structural, functional, and spatial information, amino acid conservation, physicochemical variation, residue mobility, and thermodynamic stability) indicates that this missense variant is not expected to disrupt SLC22A4 protein function with a negative predictive value of 80%. In summary, the available evidence is currently insufficient to determine the role of this variant in disease. Therefore, it has been classified as a Variant of Uncertain Significance.